The following is an entry in ClinVar:

NM_000090.4(COL3A1):c.4276A>C (p.Lys1426Gln)

Gene: COL3A1 (collagen type III alpha 1 chain; plus strand). Cytogenetic location: 2q32.2.
Variant type: single nucleotide variant.
Coding change: c.4276A>C on transcript NM_000090.4 (MANE Select); coding-DNA position 4276, A replaced by C.
Protein change: p.Lys1426Gln; replaces lysine 1426 with glutamine.
Molecular consequence: missense variant.
Genome position (GRCh38, 1-based): chr2:189,011,649, A>C. VCF-style: chr2-189011649-A-C. GRCh37 (hg19) VCF-style: chr2-189876375-A-C.
Other names: short protein forms K1426Q.
Identifiers: ClinVar variation 3772243 (VCV003772243.13).

ClinVar aggregate classification (germline): Uncertain significance (1 of 4 stars; one submission).

Submission:

CeGaT Center for Human Genetics Tuebingen
Classification: Uncertain significance. Last evaluated: 2025-01-01. Review status: criteria provided, single submitter. Criteria: CeGaT Center For Human Genetics Tuebingen Variant Classification Criteria Version 2. Collection method: clinical testing. Allele origin: germline. Affected: yes. Observed: 1 variant allele.
Comment: COL3A1: PM2, BP4